The following is an entry in ClinVar:

NM_002473.6(MYH9):c.233C>T (p.Pro78Leu)

Gene: MYH9 (myosin heavy chain 9; minus strand). Cytogenetic location: 22q12.3.
Variant type: single nucleotide variant.
Coding change: c.233C>T on transcript NM_002473.6 (MANE Select); coding-DNA position 233, C replaced by T.
Protein change: p.Pro78Leu; replaces proline 78 with leucine.
Molecular consequence: missense variant.
Genome position (GRCh38, 1-based): chr22:36,349,004, G>A on the plus strand (C>T on the coding strand, the complement: MYH9 is on the minus strand). VCF-style: chr22-36349004-G-A. GRCh37 (hg19) VCF-style: chr22-36745049-G-A.
Other names: short protein forms P78L.
Identifiers: ClinVar variation 341536 (VCV000341536.9), dbSNP rs150313549, ClinGen allele CA10210700.
Genomic context (GRCh38, chr22:36,349,004, plus strand): 5'-AGCACCGAGGCTTCGTTGAGGCACGTGAGCTCTGCCATGTCCTCCACCTTGGAGAACTTG[G>A]GCGGGTTCATCTTCTGGATGTCATCCTTGTTCACCTTCACCTTCTTCCCATTCTCCACCA-3'
Protein context (NP_002464.1, residues 68-88): NKDDIQKMNP[Pro78Leu]KFSKVEDMAE

ClinVar aggregate classification (germline): Uncertain significance. Review status: criteria provided, multiple submitters, no conflicts (2 of 4 stars). 2 submissions from 2 submitters: Uncertain significance (2). Last evaluated 2025-06-05.

Allele frequency attached by ClinVar (database versions not stated): gnomAD 0.00003; gnomAD exomes 0.00003; ESP Exome Variant Server 0.00008; 1000 Genomes Project 30x 0.00016; TOPMed 0.00002; ExAC 0.00003; 1000 Genomes Project 0.00020.
gnomAD v4.1: 111 of 1,614,204 alleles (0.0069%); highest among the groups gnomAD compares: Non-Finnish European, 0.0093%; no homozygotes.

Submissions (2):

GeneDx
Classification: Uncertain significance. Last evaluated: 2025-06-05. Review status: criteria provided, single submitter. Criteria: GeneDx Variant Classification Process June 2021. Collection method: clinical testing. Allele origin: germline. Affected: yes.
Comment: In silico analysis supports that this missense variant has a deleterious effect on protein structure/function; Has not been previously published as pathogenic or benign to our knowledge

Labcorp Genetics (formerly Invitae), Labcorp
Classification: Uncertain significance. Last evaluated: 2023-12-15. Review status: criteria provided, single submitter. Criteria: Invitae Variant Classification Sherloc (09022015). Collection method: clinical testing. Allele origin: germline.
Comment: This sequence change replaces proline, which is neutral and non-polar, with leucine, which is neutral and non-polar, at codon 78 of the MYH9 protein (p.Pro78Leu). This variant is present in population databases (rs150313549, gnomAD 0.004%). This variant has not been reported in the literature in individuals affected with MYH9-related conditions. ClinVar contains an entry for this variant (Variation ID: 341536). Advanced modeling of protein sequence and biophysical properties (such as structural, functional, and spatial information, amino acid conservation, physicochemical variation, residue mobility, and thermodynamic stability) has been performed at Invitae for this missense variant, however the output from this modeling did not meet the statistical confidence thresholds required to predict the impact of this variant on MYH9 protein function. In summary, the available evidence is currently insufficient to determine the role of this variant in disease. Therefore, it has been classified as a Variant of Uncertain Significance.